The following is an entry in ClinVar:

NM_000443.4(ABCB4):c.1119+5G>T

Gene: ABCB4 (ATP binding cassette subfamily B member 4; minus strand). Cytogenetic location: 7q21.12.
Variant type: single nucleotide variant.
Coding change: c.1119+5G>T on transcript NM_000443.4 (MANE Select); 5 bases into the intron after coding-DNA position 1119, G replaced by T.
Molecular consequence: intron variant.
Genome position (GRCh38, 1-based): chr7:87,444,857, C>A on the plus strand (G>T on the coding strand, the complement: ABCB4 is on the minus strand). VCF-style: chr7-87444857-C-A. GRCh37 (hg19) VCF-style: chr7-87074173-C-A.
Other names: c.1119+5G>T (NM_018850.3, NM_018849.3).
Identifiers: ClinVar variation 3290889 (VCV003290889.1).

ClinVar aggregate classification (germline): Uncertain significance (1 of 4 stars; one submission).

Conditions:
Inborn genetic diseases. Identifiers: MedGen C0950123, MeSH D030342.

Submission:

Ambry Genetics
Classification: Uncertain significance for Inborn genetic diseases. Last evaluated: 2024-05-15. Review status: criteria provided, single submitter. Criteria: Ambry Variant Classification Scheme 2023. Collection method: clinical testing. Allele origin: germline.
Comment: The c.1119+5G>T intronic alteration results from a G to T substitution 5 nucleotides after exon 10 (coding exon 9) of the ABCB4 gene. This variant was not reported in population-based cohorts in the Genome Aggregation Database (gnomAD). This nucleotide position is highly conserved in available vertebrate species. In silico splice site analysis predicts that this alteration will weaken the native splice donor site. Based on insufficient or conflicting evidence, the clinical significance of this alteration remains unclear.